The following is an entry in ClinVar:

ClinVar aggregate classification (germline): Uncertain significance. Review status: criteria provided, multiple submitters, no conflicts (2 of 4 stars). 2 submissions from 2 submitters: Uncertain significance (2). Last evaluated 2023-05-19.

Conditions:
Hereditary cancer-predisposing syndrome. Also called: Neoplastic Syndromes, Hereditary; Tumor predisposition; Hereditary neoplastic syndrome; Hereditary Cancer Syndrome. Identifiers: Orphanet 140162, MedGen C0027672, MeSH D009386, MONDO:0015356.
Multiple endocrine neoplasia type 4. Also called: MULTIPLE ENDOCRINE NEOPLASIA, TYPE IV. Identifiers: Orphanet 276152, MedGen C1970712, MONDO:0012552, OMIM 610755.

Allele frequency attached by ClinVar (database versions not stated): TOPMed below 0.00001.

Submissions (2):

Ambry Genetics
Classification: Uncertain significance for Hereditary cancer-predisposing syndrome. Last evaluated: 2023-05-19. Review status: criteria provided, single submitter. Criteria: Ambry Variant Classification Scheme 2023. Collection method: clinical testing. Allele origin: germline.
Comment: The p.P191T variant (also known as c.571C>A), located in coding exon 2 of the CDKN1B gene, results from a C to A substitution at nucleotide position 571. The proline at codon 191 is replaced by threonine, an amino acid with highly similar properties. This amino acid position is conserved. In addition, this alteration is predicted to be tolerated by in silico analysis. Since supporting evidence is limited at this time, the clinical significance of this alteration remains unclear.

Labcorp Genetics (formerly Invitae), Labcorp
Classification: Uncertain significance for Multiple endocrine neoplasia type 4. Last evaluated: 2021-08-03. Review status: criteria provided, single submitter. Criteria: Invitae Variant Classification Sherloc (09022015). Collection method: clinical testing. Allele origin: germline.
Comment: In summary, the available evidence is currently insufficient to determine the role of this variant in disease. Therefore, it has been classified as a Variant of Uncertain Significance. Algorithms developed to predict the effect of missense changes on protein structure and function are either unavailable or do not agree on the potential impact of this missense change (SIFT: "Deleterious"; PolyPhen-2: "Benign"; Align-GVGD: "Class C0"). This variant has not been reported in the literature in individuals affected with CDKN1B-related conditions. This variant is not present in population databases (ExAC no frequency). This sequence change replaces proline with threonine at codon 191 of the CDKN1B protein (p.Pro191Thr). The proline residue is highly conserved and there is a small physicochemical difference between proline and threonine.

NM_004064.5(CDKN1B):c.571C>A (p.Pro191Thr)

Gene: CDKN1B (cyclin dependent kinase inhibitor 1B; plus strand). Cytogenetic location: 12p13.1.
Variant type: single nucleotide variant.
Coding change: c.571C>A on transcript NM_004064.5 (MANE Select); coding-DNA position 571, C replaced by A.
Protein change: p.Pro191Thr; replaces proline 191 with threonine.
Molecular consequence: missense variant.
Genome position (GRCh38, 1-based): chr12:12,718,920, C>A. VCF-style: chr12-12718920-C-A. GRCh37 (hg19) VCF-style: chr12-12871854-C-A.
Other names: c.571C>A (NM_004064.3); short protein forms P191T.
Identifiers: ClinVar variation 1485360 (VCV001485360.7), dbSNP rs1946513256, ClinGen allele CA383973163.